The following is an entry in ClinVar:

NM_001083962.2(TCF4):c.680_682delinsT (p.Trp227fs)

Gene: TCF4 (transcription factor 4; minus strand). Cytogenetic location: 18q21.2.
Variant type: Indel.
Coding change: c.680_682delinsT on transcript NM_001083962.2 (MANE Select); coding-DNA positions 680 to 682, GGA replaced by T.
Protein change: p.Trp227fs; shifts the reading frame from tryptophan 227.
Molecular consequence: frameshift variant.
Genome position (GRCh38, 1-based): chr18:55,275,726-55,275,728, TCC replaced by A on the plus strand (GGA replaced by T on the coding strand, the reverse complement: TCF4 is on the minus strand). VCF-style: chr18-55275726-TCC-A. GRCh37 (hg19) VCF-style: chr18-52942957-TCC-A.
Other names: c.986_988delinsT, p.Trp329fs (NM_001243226.3); c.608_610delinsT, p.Trp203fs (NM_001243227.2, NM_001306207.1, NM_001348217.1 and 9 more transcripts); c.698_700delinsT, p.Trp233fs (NM_001243228.2); c.674_676delinsT, p.Trp225fs (NM_001243230.2); c.554_556delinsT, p.Trp185fs (NM_001243231.2, NM_001348211.2); c.467_469delinsT, p.Trp156fs (NM_001243232.1, NM_001306208.1); c.290_292delinsT, p.Trp97fs (NM_001243233.2, NM_001330605.3, NM_001348212.2 and 1 more transcripts); c.200_202delinsT, p.Trp67fs (NM_001243234.2, NM_001243235.2, NM_001243236.2 and 2 more transcripts); and 4 more; short protein forms W156fs, W227fs, W202fs, W233fs, W329fs, W67fs, W11fs, W185fs.
Identifiers: ClinVar variation 207541 (VCV000207541.1), dbSNP rs796053425, ClinGen allele CA319116.

ClinVar aggregate classification (germline): Pathogenic (1 of 4 stars; one submission).

Submission:

GeneDx
Classification: Pathogenic. Last evaluated: 2013-01-10. Review status: criteria provided, single submitter. Criteria: GeneDx Variant Classification (06012015). Collection method: clinical testing. Allele origin: germline. Affected: yes.
Comment: c.680_682delinsT: p.Trp227LeufsX29 (W227LfsX29) in exon 10 of the TCF4 gene (NM_001083962.1). The sequence shown with the deleted bases in brackets and the inserted base in braces is: CCTT[delGGA]{insT}GCTC. The c.680_682delinsT mutation in the TCF4 gene causes a frameshift starting with codon Tryptophan 227, changes this amino acid to a Leucine residue and creates a premature Stop codon at position 29 of the new reading frame, denoted p.Trp227LeufsX29. This mutation is predicted to cause loss of normal protein function either through protein truncation or nonsense-mediated mRNA decay. The variant is found in EPILEPSY panel(s).